The following is an entry in ClinVar:

ClinVar aggregate classification (germline): Uncertain significance (1 of 4 stars; one submission).

Allele frequency attached by ClinVar (database versions not stated): TOPMed 0.00001; ExAC 0.00002; gnomAD 0.00002; gnomAD exomes 0.00003.
gnomAD v4.1: 42 of 1,602,066 alleles (0.0026%); highest among the groups gnomAD compares: East Asian, 0.094%; no homozygotes.

Submission:

Labcorp Genetics (formerly Invitae), Labcorp
Classification: Uncertain significance. Last evaluated: 2023-12-19. Review status: criteria provided, single submitter. Criteria: Invitae Variant Classification Sherloc (09022015). Collection method: clinical testing. Allele origin: germline.
Comment: This sequence change replaces methionine, which is neutral and non-polar, with valine, which is neutral and non-polar, at codon 514 of the ANLN protein (p.Met514Val). This variant is present in population databases (rs748729525, gnomAD 0.04%). This variant has not been reported in the literature in individuals affected with ANLN-related conditions. Advanced modeling of protein sequence and biophysical properties (such as structural, functional, and spatial information, amino acid conservation, physicochemical variation, residue mobility, and thermodynamic stability) performed at Invitae indicates that this missense variant is not expected to disrupt ANLN protein function with a negative predictive value of 80%. In summary, the available evidence is currently insufficient to determine the role of this variant in disease. Therefore, it has been classified as a Variant of Uncertain Significance.

NM_018685.5(ANLN):c.1540A>G (p.Met514Val)

Gene: ANLN (anillin, actin binding protein; plus strand). Cytogenetic location: 7p14.2.
Variant type: single nucleotide variant.
Coding change: c.1540A>G on transcript NM_018685.5 (MANE Select); coding-DNA position 1540, A replaced by G.
Protein change: p.Met514Val; replaces methionine 514 with valine.
Molecular consequence: missense variant. On other transcripts: intron variant (2).
Genome position (GRCh38, 1-based): chr7:36,417,097, A>G. VCF-style: chr7-36417097-A-G. GRCh37 (hg19) VCF-style: chr7-36456706-A-G.
Other names: c.1522+1213A>G (NM_001284301.3, NM_001284302.3); short protein forms M514V.
Identifiers: ClinVar variation 2987826 (VCV002987826.3), dbSNP rs748729525, ClinGen allele CA4219643.